The following is an entry in ClinVar:

ClinVar aggregate classification (germline): Pathogenic (1 of 4 stars; one submission).

Conditions:
Desmin-related myofibrillar myopathy (MFM1). Also called: DESMIN-RELATED MYOPATHY WITH ARRHYTHMOGENIC RIGHT VENTRICULAR CARDIOMYOPATHY; Myofibrillar myopathy 1; MYOFIBRILLAR MYOPATHY WITH ARRHYTHMOGENIC RIGHT VENTRICULAR CARDIOMYOPATHY; Desminopathy; Desmin related myopathy (former name); Desmin storage myopathy (former name). Identifiers: Orphanet 363543, Orphanet 98909, MedGen C1832370, MONDO:0011076, OMIM 601419.

Submission:

Labcorp Genetics (formerly Invitae), Labcorp
Classification: Pathogenic for Desmin-related myofibrillar myopathy. Last evaluated: 2024-01-28. Review status: criteria provided, single submitter. Criteria: Invitae Variant Classification Sherloc (09022015). Collection method: clinical testing. Allele origin: germline.
Comment: This sequence change creates a premature translational stop signal (p.Ala38Argfs*12) in the DES gene. It is expected to result in an absent or disrupted protein product. Loss-of-function variants in DES are known to be pathogenic (PMID: 23575897). This variant is not present in population databases (gnomAD no frequency). This variant has not been reported in the literature in individuals affected with DES-related conditions. ClinVar contains an entry for this variant (Variation ID: 1453500). For these reasons, this variant has been classified as Pathogenic.

Literature cited by the submitters: PubMed 23575897.

NM_001927.4(DES):c.112del (p.Ala38fs)

Gene: DES (desmin; plus strand). Cytogenetic location: 2q35.
Variant type: Deletion.
Coding change: c.112del on transcript NM_001927.4 (MANE Select); coding-DNA position 112, one base deleted (G; older notation c.112delG).
Protein change: p.Ala38fs; shifts the reading frame from alanine 38.
Molecular consequence: frameshift variant.
Genome position (GRCh38, 1-based): chr2:219,418,574, G deleted; the last of 3 consecutive G bases (chr2:219,418,572-219,418,574); deleting any one gives the same sequence. VCF-style (leftmost placement, unchanged base first): chr2-219418571-CG-C. GRCh37 (hg19) VCF-style: chr2-220283293-CG-C.
Other names: c.112del, p.Ala38fs (NM_001382708.1, NM_001382709.1, NM_001382710.1 and 3 more transcripts); short protein forms A38fs.
Identifiers: ClinVar variation 1453500 (VCV001453500.6), dbSNP rs2125165857, ClinGen allele CA2573135505.